The following is an entry in ClinVar:

NM_001042492.3(NF1):c.7205C>A (p.Ser2402Ter)

Gene: NF1 (neurofibromin 1; plus strand). Cytogenetic location: 17q11.2.
Variant type: single nucleotide variant.
Coding change: c.7205C>A on transcript NM_001042492.3 (MANE Select); coding-DNA position 7205, C replaced by A.
Protein change: p.Ser2402Ter; replaces serine 2402 with a stop codon.
Molecular consequence: nonsense.
Genome position (GRCh38, 1-based): chr17:31,349,135, C>A. VCF-style: chr17-31349135-C-A. GRCh37 (hg19) VCF-style: chr17-29676153-C-A.
Other names: c.7142C>A, p.Ser2381Ter (NM_000267.4); short protein forms S2402*, S2381*.
Identifiers: ClinVar variation 3652281 (VCV003652281.2).
Genomic context (GRCh38, chr17:31,349,135, plus strand): 5'-ATTAATTCTTACTTGTTTGTTTGTTTGTTTGTTTGTTTTTTGTAGGGTACAGGCATCCTT[C>A]ACCTGCTATTGTTGCAAGAACAGTCAGAATTTTACATACACTACTAACTCTGGTTAACAA-3'

ClinVar aggregate classification (germline): Pathogenic (1 of 4 stars; one submission).

Conditions:
Neurofibromatosis, type 1 (NF1). Also called: Peripheral type neurofibromatosis; VON RECKLINGHAUSEN DISEASE; Neurofibromatosis, type I; NEUROFIBROMATOSIS, TYPE I, SOMATIC. Identifiers: Orphanet 636, MedGen C0027831, MONDO:0018975, OMIM 162200. Disease mechanism: loss of function.

Submission:

Labcorp Genetics (formerly Invitae), Labcorp
Classification: Pathogenic for Neurofibromatosis, type 1. Last evaluated: 2024-05-06. Review status: criteria provided, single submitter. Criteria: Invitae Variant Classification Sherloc (09022015). Collection method: clinical testing. Allele origin: germline.
Comment: This sequence change creates a premature translational stop signal (p.Ser2381*) in the NF1 gene. It is expected to result in an absent or disrupted protein product. Loss-of-function variants in NF1 are known to be pathogenic (PMID: 10712197, 23913538). This variant is not present in population databases (gnomAD no frequency). This premature translational stop signal has been observed in individual(s) with neurofibromatosis type 1 (PMID: 35240321). For these reasons, this variant has been classified as Pathogenic.

Literature cited by the submitters: PubMed 10712197; PubMed 23913538; PubMed 35240321.